The following is an entry in ClinVar:

NM_032043.3(BRIP1):c.1043A>G (p.Lys348Arg)

Gene: BRIP1 (BRCA1 interacting DNA helicase 1; minus strand). Cytogenetic location: 17q23.2.
Variant type: single nucleotide variant.
Coding change: c.1043A>G on transcript NM_032043.3 (MANE Select); coding-DNA position 1043, A replaced by G.
Protein change: p.Lys348Arg; replaces lysine 348 with arginine.
Molecular consequence: missense variant.
Genome position (GRCh38, 1-based): chr17:61,801,350, T>C on the plus strand (A>G on the coding strand, the complement: BRIP1 is on the minus strand). VCF-style: chr17-61801350-T-C. GRCh37 (hg19) VCF-style: chr17-59878711-T-C.
Other names: short protein forms K348R.
Identifiers: ClinVar variation 3762943 (VCV003762943.3).
Genomic context (GRCh38, chr17:61,801,350, plus strand): 5'-GGACAAAATATGATGTCAGCATCTTGTATTAGTTCTCGGGCTGTGTAATATGGACAGGCC[T>C]TTAGTTTCTTCCCCAGGCTGACAAGTTCTTCTATATCCCAGGCTTTGCACATCCCTTGGA-3'
Protein context (NP_114432.2, residues 338-358): EELVSLGKKL[Lys348Arg]ACPYYTAREL

ClinVar aggregate classification (germline): Uncertain significance. Review status: criteria provided, multiple submitters, no conflicts (2 of 4 stars). 2 submissions from 2 submitters: Uncertain significance (2). Last evaluated 2026-04-19.

Conditions:
Hereditary cancer-predisposing syndrome. Also called: Hereditary Cancer Syndrome; Hereditary neoplastic syndrome; Neoplastic Syndromes, Hereditary; Tumor predisposition. Identifiers: Orphanet 140162, MedGen C0027672, MeSH D009386, MONDO:0015356.
Fanconi anemia complementation group J. Also called: BRIP1-Related Fanconi Anemia. Identifiers: Orphanet 84, MedGen C1836860, MONDO:0012187, OMIM 609054.
Familial cancer of breast. Also called: hereditary breast carcinoma; BREAST CANCER, FAMILIAL; Hereditary breast cancer. Identifiers: Orphanet 227535, MedGen C0346153, MONDO:0016419, OMIM 114480. Disease mechanism: loss of function.

Submissions (2):

Ambry Genetics
Classification: Uncertain significance for Hereditary cancer-predisposing syndrome. Last evaluated: 2026-04-19. Review status: criteria provided, single submitter. Criteria: Ambry Variant Classification Scheme 2023. Collection method: clinical testing. Allele origin: germline.
Comment: The p.K348R variant (also known as c.1043A>G), located in coding exon 7 of the BRIP1 gene, results from an A to G substitution at nucleotide position 1043. The lysine at codon 348 is replaced by arginine, an amino acid with highly similar properties. This amino acid position is conserved. In addition, this alteration is predicted to be tolerated by in silico analysis. Based on the available evidence, the clinical significance of this variant remains unclear.

Labcorp Genetics (formerly Invitae), Labcorp
Classification: Uncertain significance for Familial cancer of breast; Fanconi anemia complementation group J. Last evaluated: 2024-09-18. Review status: criteria provided, single submitter. Criteria: Invitae Variant Classification Sherloc (09022015). Collection method: clinical testing. Allele origin: germline.
Comment: This sequence change replaces lysine, which is basic and polar, with arginine, which is basic and polar, at codon 348 of the BRIP1 protein (p.Lys348Arg). This variant is not present in population databases (gnomAD no frequency). This variant has not been reported in the literature in individuals affected with BRIP1-related conditions. Invitae Evidence Modeling of protein sequence and biophysical properties (such as structural, functional, and spatial information, amino acid conservation, physicochemical variation, residue mobility, and thermodynamic stability) indicates that this missense variant is not expected to disrupt BRIP1 protein function with a negative predictive value of 80%. In summary, the available evidence is currently insufficient to determine the role of this variant in disease. Therefore, it has been classified as a Variant of Uncertain Significance.